The following is an entry in ClinVar:

ClinVar aggregate classification (germline): Uncertain significance (1 of 4 stars; one submission).

Conditions:
Hereditary cancer-predisposing syndrome. Also called: Hereditary Cancer Syndrome; Hereditary neoplastic syndrome; Neoplastic Syndromes, Hereditary; Tumor predisposition. Identifiers: Orphanet 140162, MedGen C0027672, MeSH D009386, MONDO:0015356.

Submission:

Ambry Genetics
Classification: Uncertain significance for Hereditary cancer-predisposing syndrome. Last evaluated: 2025-08-01. Review status: criteria provided, single submitter. Criteria: Ambry Variant Classification Scheme 2023. Collection method: clinical testing. Allele origin: germline.
Comment: The p.N1241K variant (also known as c.3723T>G), located in coding exon 19 of the BRIP1 gene, results from a T to G substitution at nucleotide position 3723. The asparagine at codon 1241 is replaced by lysine, an amino acid with similar properties. This amino acid position is conserved. In addition, this alteration is predicted to be tolerated by in silico analysis. Based on the available evidence, the clinical significance of this variant remains unclear.

NM_032043.3(BRIP1):c.3723T>G (p.Asn1241Lys)

Gene: BRIP1 (BRCA1 interacting DNA helicase 1; minus strand). Cytogenetic location: 17q23.2.
Variant type: single nucleotide variant.
Coding change: c.3723T>G on transcript NM_032043.3 (MANE Select); coding-DNA position 3723, T replaced by G.
Protein change: p.Asn1241Lys; replaces asparagine 1241 with lysine.
Molecular consequence: missense variant.
Genome position (GRCh38, 1-based): chr17:61,683,323, A>C on the plus strand (T>G on the coding strand, the complement: BRIP1 is on the minus strand). VCF-style: chr17-61683323-A-C. GRCh37 (hg19) VCF-style: chr17-59760684-A-C.
Other names: short protein forms N1241K.
Identifiers: ClinVar variation 4216267 (VCV004216267.1).